The following is an entry in ClinVar:

ClinVar aggregate classification (germline): Uncertain significance. Review status: criteria provided, multiple submitters, no conflicts (2 of 4 stars). 2 submissions from 2 submitters: Uncertain significance (2). Last evaluated 2024-03-27.

Conditions:
Primary ciliary dyskinesia. Also called: Ciliary dyskinesia. Identifiers: Orphanet 244, MedGen C0008780, MONDO:0016575, HP:0012265.

Allele frequency attached by ClinVar (database versions not stated): TOPMed 0.00001; gnomAD 0.00002; gnomAD exomes 0.00003.

Submissions (2):

Labcorp Genetics (formerly Invitae), Labcorp
Classification: Uncertain significance for Primary ciliary dyskinesia. Last evaluated: 2024-03-27. Review status: criteria provided, single submitter. Criteria: Invitae Variant Classification Sherloc (09022015). Collection method: clinical testing. Allele origin: germline.
Comment: This sequence change replaces methionine, which is neutral and non-polar, with threonine, which is neutral and polar, at codon 1574 of the DNAH8 protein (p.Met1574Thr). This variant is present in population databases (rs775436333, gnomAD 0.002%). This variant has not been reported in the literature in individuals affected with DNAH8-related conditions. ClinVar contains an entry for this variant (Variation ID: 1918760). Advanced modeling of protein sequence and biophysical properties (such as structural, functional, and spatial information, amino acid conservation, physicochemical variation, residue mobility, and thermodynamic stability) performed at Invitae indicates that this missense variant is expected to disrupt DNAH8 protein function with a positive predictive value of 80%. In summary, the available evidence is currently insufficient to determine the role of this variant in disease. Therefore, it has been classified as a Variant of Uncertain Significance.

Ambry Genetics
Classification: Uncertain significance. Last evaluated: 2024-01-17. Review status: criteria provided, single submitter. Criteria: Ambry Variant Classification Scheme 2023. Collection method: clinical testing. Allele origin: germline.

NM_001206927.2(DNAH8):c.4721T>C (p.Met1574Thr)

Gene: DNAH8 (dynein axonemal heavy chain 8; plus strand). Cytogenetic location: 6p21.2.
Variant type: single nucleotide variant.
Coding change: c.4721T>C on transcript NM_001206927.2 (MANE Select); coding-DNA position 4721, T replaced by C.
Protein change: p.Met1574Thr; replaces methionine 1574 with threonine.
Molecular consequence: missense variant.
Genome position (GRCh38, 1-based): chr6:38,842,779, T>C. VCF-style: chr6-38842779-T-C. GRCh37 (hg19) VCF-style: chr6-38810555-T-C.
Other names: c.4070T>C, p.Met1357Thr (NM_001371.4); c.4721T>C (NM_001206927.1); short protein forms M1357T, M1574T.
Identifiers: ClinVar variation 1918760 (VCV001918760.5), dbSNP rs775436333, ClinGen allele CA137569396.